The following is an entry in ClinVar:

NM_020320.5(RARS2):c.1238-2A>G

Gene: RARS2 (arginyl-tRNA synthetase 2, mitochondrial; minus strand). Cytogenetic location: 6q15.
Variant type: single nucleotide variant.
Coding change: c.1238-2A>G on transcript NM_020320.5 (MANE Select); the canonical splice acceptor site of the intron before coding-DNA position 1238, A replaced by G.
Molecular consequence: splice acceptor variant.
Genome position (GRCh38, 1-based): chr6:87,518,893, T>C on the plus strand (A>G on the coding strand, the complement: RARS2 is on the minus strand). VCF-style: chr6-87518893-T-C. GRCh37 (hg19) VCF-style: chr6-88228611-T-C.
Other names: c.1238-2A>G (NM_001350505.2); c.713-2A>G (NM_001350509.2, NM_001318785.2, NM_001350506.2 and 4 more transcripts).
Identifiers: ClinVar variation 1349935 (VCV001349935.9), dbSNP rs1167507020, ClinGen allele CA364923556.

ClinVar aggregate classification (germline): Likely pathogenic. Review status: criteria provided, multiple submitters, no conflicts (2 of 4 stars). 2 submissions from 2 submitters: Likely pathogenic (2). Last evaluated 2024-01-17.

Conditions:
Pontocerebellar hypoplasia type 6 (PCH6). Identifiers: Orphanet 166073, MedGen C1969084, MONDO:0012683, OMIM 611523.

Allele frequency attached by ClinVar (database versions not stated): gnomAD exomes below 0.00001.
gnomAD v4.1: 1 of 1,613,884 alleles (0.000062%); highest among the groups gnomAD compares: African/African-American, 0.0013%; no homozygotes.

Submissions (2):

Labcorp Genetics (formerly Invitae), Labcorp
Classification: Likely pathogenic. Last evaluated: 2024-01-17. Review status: criteria provided, single submitter. Criteria: Invitae Variant Classification Sherloc (09022015). Collection method: clinical testing. Allele origin: germline.
Comment: This sequence change affects an acceptor splice site in intron 14 of the RARS2 gene. It is expected to disrupt RNA splicing. Variants that disrupt the donor or acceptor splice site typically lead to a loss of protein function (PMID: 16199547), and loss-of-function variants in RARS2 are known to be pathogenic (PMID: 17847012, 22569581, 26083569). This variant is present in population databases (no rsID available, gnomAD 0.007%). This variant has not been reported in the literature in individuals affected with RARS2-related conditions. ClinVar contains an entry for this variant (Variation ID: 1349935). Algorithms developed to predict the effect of sequence changes on RNA splicing suggest that this variant may disrupt the consensus splice site. In summary, the currently available evidence indicates that the variant is pathogenic, but additional data are needed to prove that conclusively. Therefore, this variant has been classified as Likely Pathogenic.

Baylor Genetics
Classification: Likely pathogenic for Pontocerebellar hypoplasia type 6. Last evaluated: 2023-08-03. Review status: criteria provided, single submitter. Criteria: ACMG Guidelines, 2015. Collection method: clinical testing. Allele origin: unknown.

Literature cited by the submitters: PubMed 16199547 (cited by Labcorp Genetics (formerly Invitae), Labcorp); PubMed 17847012 (cited by Labcorp Genetics (formerly Invitae), Labcorp); PubMed 22569581 (cited by Labcorp Genetics (formerly Invitae), Labcorp); PubMed 26083569 (cited by Labcorp Genetics (formerly Invitae), Labcorp).